The following is an entry in ClinVar:

NM_014049.5(ACAD9):c.15_40del (p.Leu6fs)

Gene: ACAD9 (acyl-CoA dehydrogenase family member 9; plus strand). Cytogenetic location: 3q21.3.
Variant type: Deletion.
Coding change: c.15_40del on transcript NM_014049.5 (MANE Select); coding-DNA positions 15 to 40, 26 bases deleted (GCTCTTCCTGCGCACCACGGCTGCGG).
Protein change: p.Leu6fs; shifts the reading frame from leucine 6.
Molecular consequence: frameshift variant. On other transcripts: non-coding transcript variant (1).
Genome position (GRCh38, 1-based): chr3:128,879,706-128,879,731, GCTCTTCCTGCGCACCACGGCTGCGG deleted; deleting any 26 consecutive bases within chr3:128,879,697-128,879,731 gives the same sequence; the c. name uses the placement nearest the transcript's 3' end. VCF-style (leftmost placement, unchanged base first): chr3-128879696-GCGGCTGCGGGCTCTTCCTGCGCACCA-G. GRCh37 (hg19) VCF-style: chr3-128598539-GCGGCTGCGGGCTCTTCCTGCGCACCA-G.
Other names: c.15_40delGCTCTTCCTGCGCACCACGGCTGCGG (NM_014049.4); short protein forms L6fs.
Identifiers: ClinVar variation 850643 (VCV000850643.13), dbSNP rs746312225, ClinGen allele CA916082602.
Genomic context (GRCh38, chr3:128,879,696, plus strand): 5'-TCCCTGCGGCGCTAAGAAGGGGAGACTGAGGCTGAGGCTGGGGAACATCGGGCAGCATGA[GCGGCTGCGGGCTCTTCCTGCGCACCA>G]CGGCTGCGGCTCGTGCCTGCCGGGGTCTGGTGGTCTCTACCGCGAACCGGCGGCTACTGC-3'

ClinVar aggregate classification (germline): Pathogenic/Likely pathogenic. Review status: criteria provided, multiple submitters, no conflicts (2 of 4 stars). 3 submissions from 3 submitters: Pathogenic (1); Likely pathogenic (2). Last evaluated 2023-08-30.

Conditions:
Acyl-CoA dehydrogenase 9 deficiency. Also called: MITOCHONDRIAL COMPLEX I DEFICIENCY, NUCLEAR TYPE 20; Acyl-CoA dehydrogenase family, member 9, deficiency of. Identifiers: Orphanet 99901, MedGen C4747517, MONDO:0012624, OMIM 611126.

Submissions (3):

GeneDx
Classification: Likely pathogenic. Last evaluated: 2023-08-30. Review status: criteria provided, single submitter. Criteria: GeneDx Variant Classification Process June 2021. Collection method: clinical testing. Allele origin: germline. Affected: yes.
Comment: Frameshift variant predicted to result in protein truncation or nonsense mediated decay in a gene for which loss-of-function is a known mechanism of disease; Not observed at significant frequency in large population cohorts (gnomAD); Has not been previously published as pathogenic or benign to our knowledge; This variant is associated with the following publications: (PMID: 25721401, 27535533)

Labcorp Genetics (formerly Invitae), Labcorp
Classification: Pathogenic. Last evaluated: 2022-11-01. Review status: criteria provided, single submitter. Criteria: Invitae Variant Classification Sherloc (09022015). Collection method: clinical testing. Allele origin: germline.
Comment: For these reasons, this variant has been classified as Pathogenic. ClinVar contains an entry for this variant (Variation ID: 850643). This variant has not been reported in the literature in individuals affected with ACAD9-related conditions. This variant is not present in population databases (gnomAD no frequency). This sequence change creates a premature translational stop signal (p.Leu6Serfs*46) in the ACAD9 gene. It is expected to result in an absent or disrupted protein product. Loss-of-function variants in ACAD9 are known to be pathogenic (PMID: 25721401).

Fulgent Genetics
Classification: Likely pathogenic for Acyl-CoA dehydrogenase 9 deficiency. Last evaluated: 2021-10-30. Review status: criteria provided, single submitter. Criteria: ACMG Guidelines, 2015. Collection method: clinical testing. Allele origin: unknown.

Literature cited by the submitters: PubMed 25721401 (cited by Labcorp Genetics (formerly Invitae), Labcorp).